The following is an entry in ClinVar:

ClinVar aggregate classification (germline): Likely benign. Review status: criteria provided, single submitter (1 of 4 stars). 2 submissions from 2 submitters: Likely benign (1). 1 of the submissions does not count toward it. Last evaluated 2026-01-06.

Conditions:
CFH-related disorder. Also called: CFH-related condition; CFH-related disorders.

Allele frequency attached by ClinVar (database versions not stated): gnomAD exomes 0.00001 and 0.00003; gnomAD 0.00003 and 0.00004; TOPMed 0.00003.
gnomAD v4.1: 15 of 1,613,784 alleles (0.00093%); highest among the groups gnomAD compares: Admixed American, 0.015%; no homozygotes.

Submissions (2):

Labcorp Genetics (formerly Invitae), Labcorp
Classification: Likely benign. Last evaluated: 2026-01-06. Review status: criteria provided, single submitter. Criteria: Invitae Variant Classification Sherloc (09022015). Collection method: clinical testing. Allele origin: germline.

PreventionGenetics, part of Exact Sciences
Classification: Likely benign for CFH-related condition. Last evaluated: 2023-09-08. Review status: no assertion criteria provided. Collection method: clinical testing. Allele origin: germline. Not counted in ClinVar's aggregate classification.
Comment: This variant is classified as likely benign based on ACMG/AMP sequence variant interpretation guidelines (Richards et al. 2015 PMID: 25741868, with internal and published modifications).

NM_000186.4(CFH):c.2079T>C (p.Asp693=)

Gene: CFH (complement factor H; plus strand). Cytogenetic location: 1q31.3.
Variant type: single nucleotide variant.
Coding change: c.2079T>C on transcript NM_000186.4 (MANE Select); coding-DNA position 2079, T replaced by C.
Protein change: p.Asp693=; no amino-acid change (aspartic acid 693 retained).
Molecular consequence: synonymous variant.
Genome position (GRCh38, 1-based): chr1:196,726,783, T>C. VCF-style: chr1-196726783-T-C. GRCh37 (hg19) VCF-style: chr1-196695913-T-C.
Other names: c.2079T>C (NM_000186.3).
Identifiers: ClinVar variation 1631180 (VCV001631180.7), dbSNP rs1018656829, ClinGen allele CA35860951.